The following is an entry in ClinVar:

NM_002887.4(RARS1):c.49G>T (p.Glu17Ter)

Gene: RARS1 (arginyl-tRNA synthetase 1; plus strand). Cytogenetic location: 5q34.
Variant type: single nucleotide variant.
Coding change: c.49G>T on transcript NM_002887.4 (MANE Select); coding-DNA position 49, G replaced by T.
Protein change: p.Glu17Ter; replaces glutamic acid 17 with a stop codon.
Molecular consequence: nonsense.
Genome position (GRCh38, 1-based): chr5:168,488,605, G>T. VCF-style: chr5-168488605-G-T. GRCh37 (hg19) VCF-style: chr5-167915610-G-T.
Other names: short protein forms E17*.
Identifiers: ClinVar variation 3656058 (VCV003656058.2).

ClinVar aggregate classification (germline): Pathogenic (1 of 4 stars; one submission).

Submission:

Labcorp Genetics (formerly Invitae), Labcorp
Classification: Pathogenic. Last evaluated: 2024-07-12. Review status: criteria provided, single submitter. Criteria: Invitae Variant Classification Sherloc (09022015). Collection method: clinical testing. Allele origin: germline.
Comment: This sequence change creates a premature translational stop signal (p.Glu17*) in the RARS gene. It is expected to result in an absent or disrupted protein product. Loss-of-function variants in RARS are known to be pathogenic (PMID: 24777941). This variant is not present in population databases (gnomAD no frequency). This variant has not been reported in the literature in individuals affected with RARS-related conditions. For these reasons, this variant has been classified as Pathogenic.

Literature cited by the submitters: PubMed 24777941.